The following is an entry in ClinVar:

NM_007294.4(BRCA1):c.5223C>A (p.Val1741=)

Gene: BRCA1 (BRCA1 DNA repair associated; minus strand). Cytogenetic location: 17q21.31.
Variant type: single nucleotide variant.
Coding change: c.5223C>A on transcript NM_007294.4 (MANE Select); coding-DNA position 5223, C replaced by A.
Protein change: p.Val1741=; no amino-acid change (valine 1741 retained).
Molecular consequence: synonymous variant.
Genome position (GRCh38, 1-based): chr17:43,057,106, G>T on the plus strand (C>A on the coding strand, the complement: BRCA1 is on the minus strand). VCF-style: chr17-43057106-G-T. GRCh37 (hg19) VCF-style: chr17-41209123-G-T.
Other names: c.5010C>A, p.Val1670= (NM_001407571.1, NM_001407894.1, NM_001407895.1 and 12 more transcripts); c.5289C>A, p.Val1763= (NM_001407581.1, NM_001407582.1); c.5286C>A, p.Val1762= (NM_001407583.1, NM_001407585.1, NM_001407587.1 and 1 more transcripts); c.5283C>A, p.Val1761= (NM_001407590.1, NM_001407591.1); c.5223C>A, p.Val1741= (NM_001407593.1, NM_001407594.1, NM_001407596.1 and 7 more transcripts); c.5220C>A, p.Val1740= (NM_001407610.1, NM_001407611.1, NM_001407612.1 and 17 more transcripts); c.5217C>A, p.Val1739= (NM_001407627.1, NM_001407628.1, NM_001407629.1 and 14 more transcripts); c.5214C>A, p.Val1738= (NM_001407644.1, NM_001407645.1); and 72 more.
Identifiers: ClinVar variation 868196 (VCV000868196.3), dbSNP rs2051519153, ClinGen allele CA500144765.

Conditions:
Breast-ovarian cancer, familial, susceptibility to, 1 (BROVCA1). Also called: BRCA1 Hereditary Breast and Ovarian Cancer; OVARIAN CANCER, SUSCEPTIBILITY TO. Identifiers: Orphanet 145, MedGen C2676676, MONDO:0011450, OMIM 604370. Disease mechanism: loss of function.

Submission:

Brotman Baty Institute, University of Washington
No classification provided (evidence only). Condition: Breast-ovarian cancer, familial 1. Review status: no classification provided. Collection method: in vitro. Allele origin: not applicable. Functional consequence: functionally_normal.
ClinVar note: "not provided" was previously submitted as the classification for the variant. However, the classification appeared to be based only on an observation of functional data so it was converted to no classification on 2025-07-30.